The following is an entry in ClinVar:

NM_001035.3(RYR2):c.8117T>C (p.Val2706Ala)

Gene: RYR2 (ryanodine receptor 2; plus strand). Cytogenetic location: 1q43.
Variant type: single nucleotide variant.
Coding change: c.8117T>C on transcript NM_001035.3 (MANE Select); coding-DNA position 8117, T replaced by C.
Protein change: p.Val2706Ala; replaces valine 2706 with alanine.
Molecular consequence: missense variant.
Genome position (GRCh38, 1-based): chr1:237,655,972, T>C. VCF-style: chr1-237655972-T-C. GRCh37 (hg19) VCF-style: chr1-237819272-T-C.
Other names: short protein forms V2706A.
Identifiers: ClinVar variation 4537579 (VCV004537579.1).
Genomic context (GRCh38, chr1:237,655,972, plus strand): 5'-TCAGTATGATGGAAAAACAGTCATCAATGGATTCTGAAGGGAACTTTAACCCACAACCTG[T>C]TGATACCTCAAAGTATGGACTCTTTCTATTGCAGCAGATTTTTATTGTAAATGATGTGTG-3'
Protein context (NP_001026.2, residues 2696-2716): DSEGNFNPQP[Val2706Ala]DTSNITIPEK

ClinVar aggregate classification (germline): Uncertain significance (1 of 4 stars; one submission).

gnomAD v4.1: 1 of 1,613,226 alleles (0.000062%); highest among the groups gnomAD compares: Admixed American, 0.0017%; no homozygotes.

Submission:

GeneDx
Classification: Uncertain significance. Last evaluated: 2025-06-12. Review status: criteria provided, single submitter. Criteria: GeneDx Variant Classification Process June 2021. Collection method: clinical testing. Allele origin: germline. Affected: yes.
Comment: Not observed at significant frequency in large population cohorts (gnomAD); In silico analysis supports that this missense variant has a deleterious effect on protein structure/function; Has not been previously published as pathogenic or benign to our knowledge; Not located in one of the three hot-spot regions of the RYR2 gene, where the majority of pathogenic missense variants occur (PMID: 19926015); This variant is associated with the following publications: (PMID: 19926015)